The following is an entry in ClinVar:

Single allele

Gene: LILRA3 (leukocyte immunoglobulin like receptor A3; minus strand). Cytogenetic location: 19q13.42.
Variant type: single nucleotide variant.
Genome position: GRCh38 VCF-style: chr19-273129-G-A. GRCh37 (hg19) VCF-style: chr19-54802015-G-A.
Identifiers: ClinVar variation 4872151 (VCV004872151.2).

ClinVar aggregate classification (germline): Likely benign (1 of 4 stars; one submission).

Submission:

CeGaT Center for Human Genetics Tuebingen
Classification: Likely benign. Last evaluated: 2026-04-01. Review status: criteria provided, single submitter. Criteria: CeGaT Center For Human Genetics Tuebingen Variant Classification Criteria Version 2. Collection method: clinical testing. Allele origin: germline. Affected: yes. Observed: 1 variant allele.
Comment: LILRA3: BP4, BP7